The following is an entry in ClinVar:

ClinVar aggregate classification (germline): Benign/Likely benign. Review status: criteria provided, multiple submitters, no conflicts (2 of 4 stars). 3 submissions from 3 submitters: Benign (1); Likely benign (1). 1 of the submissions does not count toward it. Last evaluated 2026-01-28.

Conditions:
COPA-related disorder. Also called: COPA-related condition.
Autoimmune interstitial lung disease-arthritis syndrome. Also called: Autoinflammation and autoimmunity, systemic, with immune dysregulation. Identifiers: Orphanet 444092, MedGen C5975714, MONDO:0014629.

Allele frequency attached by ClinVar (database versions not stated): gnomAD exomes 0.00006 and 0.00012; ExAC 0.00011; 1000 Genomes Project 30x 0.00031; gnomAD 0.00038 and 0.00044; 1000 Genomes Project 0.00040; TOPMed 0.00050; ESP Exome Variant Server 0.00054.
gnomAD v4.1: 143 of 1,613,752 alleles (0.0089%); highest among the groups gnomAD compares: African/African-American, 0.14%; 1 homozygote.

Submissions (3):

Labcorp Genetics (formerly Invitae), Labcorp
Classification: Benign for Autoimmune interstitial lung disease-arthritis syndrome. Last evaluated: 2026-01-28. Review status: criteria provided, single submitter. Criteria: Invitae Variant Classification Sherloc (09022015). Collection method: clinical testing. Allele origin: germline.

Blueprint Genetics
Classification: Likely benign. Last evaluated: 2023-10-09. Review status: criteria provided, single submitter. Criteria: ACMG Guidelines, 2015. Collection method: clinical testing. Allele origin: germline.

PreventionGenetics, part of Exact Sciences
Classification: Likely benign for COPA-related condition. Last evaluated: 2019-08-09. Review status: no assertion criteria provided. Collection method: clinical testing. Allele origin: germline. Not counted in ClinVar's aggregate classification.
Comment: This variant is classified as likely benign based on ACMG/AMP sequence variant interpretation guidelines (Richards et al. 2015 PMID: 25741868, with internal and published modifications).

NM_004371.4(COPA):c.432C>T (p.His144=)

Gene: COPA (coat protein complex I subunit alpha; minus strand). Cytogenetic location: 1q23.2.
Variant type: single nucleotide variant.
Coding change: c.432C>T on transcript NM_004371.4 (MANE Select); coding-DNA position 432, C replaced by T.
Protein change: p.His144=; no amino-acid change (histidine 144 retained).
Molecular consequence: synonymous variant.
Genome position (GRCh38, 1-based): chr1:160,332,512, G>A on the plus strand (C>T on the coding strand, the complement: COPA is on the minus strand). VCF-style: chr1-160332512-G-A. GRCh37 (hg19) VCF-style: chr1-160302302-G-A.
Other names: c.432C>T (NM_004371.3); c.432C>T, p.His144= (NM_001098398.2).
Identifiers: ClinVar variation 1164507 (VCV001164507.12), dbSNP rs148703024, ClinGen allele CA1198366.
Genomic context (GRCh38, chr1:160,332,512, plus strand): 5'-AATATCCCAAACGCGCACAGTCTGGTCCAGGCTGGCTGATACTACCAAGTCTTCTGTGGG[G>A]TGGAACTGAGCACACATCACATAATGGTTGTGCCCTGTTAACACACTGCAAGAAAAAAAA-3'
Protein context (NP_004362.2, residues 134-154): HNHYVMCAQF[His144=]PTEDLVVSAS